The following is an entry in ClinVar:

NM_006766.5(KAT6A):c.1A>T (p.Met1Leu)

Gene: KAT6A (lysine acetyltransferase 6A; minus strand). Cytogenetic location: 8p11.21.
Variant type: single nucleotide variant.
Coding change: c.1A>T on transcript NM_006766.5 (MANE Select); coding-DNA position 1, A replaced by T.
Protein change: p.Met1Leu; changes the start codon (methionine 1).
Molecular consequence: missense variant, initiator codon variant.
Genome position (GRCh38, 1-based): chr8:42,048,977, T>A on the plus strand (A>T on the coding strand, the complement: KAT6A is on the minus strand). VCF-style: chr8-42048977-T-A. GRCh37 (hg19) VCF-style: chr8-41906495-T-A.
Other names: c.1A>T, p.Met1Leu (NM_001305878.2); short protein forms M1L.
Identifiers: ClinVar variation 4056516 (VCV004056516.1).

ClinVar aggregate classification (germline): Uncertain significance (1 of 4 stars; one submission).

Conditions:
Autosomal dominant intellectual disability-craniofacial anomalies-cardiac defects syndrome (ARTHS). Also called: KAT6A syndrome; Mental retardation, autosomal dominant 32; Arboleda-Tham syndrome. Identifiers: Orphanet 457193, MedGen C4225396, MONDO:0014558, OMIM 616268.

Submission:

Laboratorio de Genetica e Diagnostico Molecular, Hospital Israelita Albert Einstein
Classification: Uncertain significance for Autosomal dominant intellectual disability-craniofacial anomalies-cardiac defects syndrome. Last evaluated: 2023-12-08. Review status: criteria provided, single submitter. Criteria: ACMG Guidelines, 2015. Collection method: clinical testing. Allele origin: germline. Affected: yes.
Comment: ACMG classification criteria: PVS1 supporting, PM2 moderate